The following is an entry in ClinVar:

ClinVar aggregate classification (germline): Uncertain significance (1 of 4 stars; one submission).

Submission:

Labcorp Genetics (formerly Invitae), Labcorp
Classification: Uncertain significance. Last evaluated: 2025-11-17. Review status: criteria provided, single submitter. Criteria: Invitae Variant Classification Sherloc (09022015). Collection method: clinical testing. Allele origin: germline.
Comment: This sequence change replaces alanine, which is neutral and non-polar, with threonine, which is neutral and polar, at codon 202 of the ITGA8 protein (p.Ala202Thr). This variant is not present in population databases (gnomAD no frequency). This variant has not been reported in the literature in individuals affected with ITGA8-related conditions. ClinVar contains an entry for this variant (Variation ID: 2144869). Invitae Evidence Modeling of protein sequence and biophysical properties (such as structural, functional, and spatial information, amino acid conservation, physicochemical variation, residue mobility, and thermodynamic stability) indicates that this missense variant is not expected to disrupt ITGA8 protein function with a negative predictive value of 80%. In summary, the available evidence is currently insufficient to determine the role of this variant in disease. Therefore, it has been classified as a Variant of Uncertain Significance.

NM_003638.3(ITGA8):c.604G>A (p.Ala202Thr)

Gene: ITGA8 (integrin subunit alpha 8; minus strand). Cytogenetic location: 10p13.
Variant type: single nucleotide variant.
Coding change: c.604G>A on transcript NM_003638.3 (MANE Select); coding-DNA position 604, G replaced by A.
Protein change: p.Ala202Thr; replaces alanine 202 with threonine.
Molecular consequence: missense variant.
Genome position (GRCh38, 1-based): chr10:15,678,748, C>T on the plus strand (G>A on the coding strand, the complement: ITGA8 is on the minus strand). VCF-style: chr10-15678748-C-T. GRCh37 (hg19) VCF-style: chr10-15720747-C-T.
Other names: c.604G>A, p.Ala202Thr (NM_001291494.2); short protein forms A202T.
Identifiers: ClinVar variation 2144869 (VCV002144869.4), dbSNP rs2491209542, ClinGen allele CA376105728.